The following is an entry in ClinVar:

NM_001142800.2(EYS):c.1622G>A (p.Cys541Tyr)

Gene: EYS (eyes shut homolog; minus strand). Cytogenetic location: 6q12.
Variant type: single nucleotide variant.
Coding change: c.1622G>A on transcript NM_001142800.2 (MANE Select); coding-DNA position 1622, G replaced by A.
Protein change: p.Cys541Tyr; replaces cysteine 541 with tyrosine.
Molecular consequence: missense variant.
Genome position (GRCh38, 1-based): chr6:65,335,124, C>T on the plus strand (G>A on the coding strand, the complement: EYS is on the minus strand). VCF-style: chr6-65335124-C-T. GRCh37 (hg19) VCF-style: chr6-66045017-C-T.
Other names: c.1622G>A, p.Cys541Tyr (NM_001142801.2, NM_001292009.2, NM_198283.2); short protein forms C541Y.
Identifiers: ClinVar variation 1929373 (VCV001929373.2), dbSNP rs1395488613, ClinGen allele CA364661225.

ClinVar aggregate classification (germline): Uncertain significance (1 of 4 stars; one submission).

Allele frequency attached by ClinVar (database versions not stated): TOPMed below 0.00001; gnomAD 0.00001.

Submission:

Labcorp Genetics (formerly Invitae), Labcorp
Classification: Uncertain significance. Last evaluated: 2022-05-03. Review status: criteria provided, single submitter. Criteria: Invitae Variant Classification Sherloc (09022015). Collection method: clinical testing. Allele origin: germline.
Comment: This sequence change replaces cysteine, which is neutral and slightly polar, with tyrosine, which is neutral and polar, at codon 541 of the EYS protein (p.Cys541Tyr). This variant is present in population databases (no rsID available, gnomAD 0.006%). This variant has not been reported in the literature in individuals affected with EYS-related conditions. Algorithms developed to predict the effect of missense changes on protein structure and function output the following: SIFT: "Deleterious"; PolyPhen-2: "Benign"; Align-GVGD: "Class C65". The tyrosine amino acid residue is found in multiple mammalian species, which suggests that this missense change does not adversely affect protein function. In summary, the available evidence is currently insufficient to determine the role of this variant in disease. Therefore, it has been classified as a Variant of Uncertain Significance.